The following is an entry in ClinVar:

ClinVar aggregate classification (germline): Conflicting classifications of pathogenicity. Review status: criteria provided, conflicting classifications (1 of 4 stars). 8 submissions from 8 submitters: Pathogenic (3); Likely pathogenic (4); Uncertain significance (1). Last evaluated 2026-03-26.

Conditions:
RECQL4-related disorder. Also called: RECQL4-related disorders; RECQL4-related condition.
Rothmund-Thomson syndrome type 2 (RTS2). Identifiers: Orphanet 221016, MedGen C5203410, MONDO:0016369, OMIM 268400.
Baller-Gerold syndrome (BGS). Also called: CRANIOSYNOSTOSIS WITH RADIAL DEFECTS. Identifiers: Orphanet 1225, MedGen C0265308, MONDO:0009039, OMIM 218600.
Hereditary cancer-predisposing syndrome. Also called: Hereditary neoplastic syndrome; Neoplastic Syndromes, Hereditary; Tumor predisposition; Hereditary Cancer Syndrome. Identifiers: Orphanet 140162, MedGen C0027672, MeSH D009386, MONDO:0015356.

Submissions (8):

GeneDx
Classification: Uncertain significance. Last evaluated: 2026-03-26. Review status: criteria provided, single submitter. Criteria: GeneDx Variant Classification Process June 2021. Collection method: clinical testing. Allele origin: germline.
Comment: Frameshift variant predicted to result in protein truncation or nonsense mediated decay in a gene for which loss of function is a known mechanism of disease; Has not been previously published as pathogenic or benign in association with an RECQL4-related disorder to our knowledge; This variant is associated with the following publications: (PMID: 31589614, 31970404, 34308366, 31980526, 33606809, 28873162)

Labcorp Genetics (formerly Invitae), Labcorp
Classification: Pathogenic for Baller-Gerold syndrome. Last evaluated: 2025-11-09. Review status: criteria provided, single submitter. Criteria: Invitae Variant Classification Sherloc (09022015). Collection method: clinical testing. Allele origin: germline.
Comment: This sequence change creates a premature translational stop signal (p.Cys389Phefs*33) in the RECQL4 gene. It is expected to result in an absent or disrupted protein product. Loss-of-function variants in RECQL4 are known to be pathogenic (PMID: 12734318, 12952869). This variant is present in population databases (rs34134064, gnomAD 0.02%). This variant has not been reported in the literature in individuals affected with RECQL4-related conditions. ClinVar contains an entry for this variant (Variation ID: 459307). Algorithms developed to predict the effect of sequence changes on RNA splicing suggest that this variant may disrupt the consensus splice site. For these reasons, this variant has been classified as Pathogenic.

PreventionGenetics, part of Exact Sciences
Classification: Pathogenic for RECQL4-related condition. Last evaluated: 2025-07-18. Review status: criteria provided, single submitter. Criteria: ACMG Guidelines, 2015. Collection method: clinical testing. Allele origin: germline.
Comment: The RECQL4 c.1166_1167delGT variant is predicted to result in a frameshift and premature protein termination (p.Cys389Phefs*33). This variant was reported in individuals with Baller-Gerold syndrome (Hou et al. 2020. PubMed ID: 31980526; Muskens et al. 2020. PubMed ID: 31970404; Sandoval et al. 2021). This variant is reported in 0.023% of alleles in individuals of Latino descent in gnomAD, and is classified as pathogenic and likely pathogenic in ClinVar. Frameshift variants in RECQL4 are expected to be pathogenic (Wang et al. 2003. PubMed ID: 12734318). This variant is interpreted as pathogenic.

Variantyx, Inc.
Classification: Likely pathogenic for Baller-Gerold syndrome. Last evaluated: 2025-06-30. Review status: criteria provided, single submitter. Criteria: Variantyx Assertion Criteria 2022. Collection method: clinical testing. Allele origin: germline. Inheritance: Autosomal recessive inheritance.
Comment: This is a frameshift variant in the RECQL4 gene (OMIM: 603780). Pathogenic variants in this gene have been associated with autosomal recessive Baller-Gerold syndrome. This variant introduces a premature termination codon in exon 6 out of 21 and is expected to result in loss of function, which is a known disease mechanism for RECQL4 in this disorder (PMID: 10319867, 12734318, 9878247) (PVS1). This variant has a 0.0254% maximum allele frequency in non-founder control populations (PM2). Based on the current evidence, this variant is classified as likely pathogenic for autosomal recessive Baller-Gerold syndrome.

Sema4
Classification: Likely pathogenic for Hereditary cancer-predisposing syndrome. Last evaluated: 2021-04-04. Review status: criteria provided, single submitter. Criteria: Sema4 Curation Guidelines. Collection method: curation. Allele origin: germline.
Comment: To the best of our knowledge, the RECQL4 c.1166_1167delGT (p.C389Ffs*33) variant has not been reported in individuals with RECQL4-related disease. This variant causes a frameshift at amino acid 389 that results in premature termination 33 amino acids downstream. At this location, this is predicted to cause nonsense-mediated decay and result in an absent protein (loss of function). Loss-of-function variants in RECQL4 are known to be pathogenic (PubMed: 15964893) . It was observed in 8/34426 chromosomes of the Latino subpopulation in the large and broad cohorts of the Genome Aggregation Database (PMID: 32461654). The variant has been reported in ClinVar (Variation ID: 459307). Based on the current evidence available, this variant is interpreted as likely pathogenic.

Department of Pediatrics, Memorial Sloan Kettering Cancer Center
Classification: Pathogenic for Rothmund-Thomson syndrome type 2. Last evaluated: 2020-12-15. Review status: criteria provided, single submitter. Criteria: ACMG Guidelines, 2015. Collection method: research. Allele origin: germline. Affected: no.

Blueprint Genetics
Classification: Likely pathogenic for RECQL4-related disorders. Last evaluated: 2020-04-30. Review status: criteria provided, single submitter. Criteria: ACMG Guidelines, 2015. Collection method: clinical testing. Allele origin: germline. Affected: yes. Observed: 1 variant allele.

Neuberg Centre For Genomic Medicine, NCGM
Classification: Likely pathogenic for Rothmund-Thomson syndrome type 2. Review status: criteria provided, single submitter. Criteria: ACMG Guidelines, 2015. Collection method: clinical testing. Allele origin: germline. Inheritance: Autosomal recessive inheritance. Affected: yes.

Literature cited by the submitters: PubMed 12734318 (cited by Labcorp Genetics (formerly Invitae), Labcorp and Variantyx, Inc.); PubMed 12952869 (cited by Labcorp Genetics (formerly Invitae), Labcorp); PubMed 10319867 (cited by Variantyx, Inc.); PubMed 9878247 (cited by Variantyx, Inc.); PubMed 15964893 (cited by Sema4); PubMed 28873162 (cited by Department of Pediatrics, Memorial Sloan Kettering Cancer Center).

NM_004260.4(RECQL4):c.1166_1167del (p.Cys389fs)

Gene: RECQL4 (RecQ like helicase 4; minus strand). Cytogenetic location: 8q24.3.
Variant type: Microsatellite.
Coding change: c.1166_1167del on transcript NM_004260.4 (MANE Select); coding-DNA positions 1166 to 1167, 2 bases deleted (GT; older notation c.1166_1167delGT).
Protein change: p.Cys389fs; shifts the reading frame from cysteine 389.
Molecular consequence: frameshift variant.
Genome position (GRCh38, 1-based): chr8:144,515,855-144,515,856, AC deleted on the plus strand (GT on the coding strand, the reverse complement: RECQL4 is on the minus strand); deleting any 2 consecutive bases within chr8:144,515,855-144,515,858 gives the same sequence; the c. name uses the placement nearest the transcript's 3' end. VCF-style (leftmost placement, unchanged base first): chr8-144515854-AAC-A. GRCh37 (hg19) VCF-style: chr8-145741238-AAC-A.
Other names: c.1166_1167delGT (NM_004260.4, NM_004260.3); short protein forms C389fs.
Identifiers: ClinVar variation 459307 (VCV000459307.17), dbSNP rs34134064, ClinGen allele CA4949002.